The following is an entry in ClinVar:

NM_024675.4(PALB2):c.2608G>C (p.Val870Leu)

Gene: PALB2 (partner and localizer of BRCA2; minus strand). Cytogenetic location: 16p12.2.
Variant type: single nucleotide variant.
Coding change: c.2608G>C on transcript NM_024675.4 (MANE Select); coding-DNA position 2608, G replaced by C.
Protein change: p.Val870Leu; replaces valine 870 with leucine.
Molecular consequence: missense variant.
Genome position (GRCh38, 1-based): chr16:23,626,376, C>G on the plus strand (G>C on the coding strand, the complement: PALB2 is on the minus strand). VCF-style: chr16-23626376-C-G. GRCh37 (hg19) VCF-style: chr16-23637697-C-G.
Other names: short protein forms V870L.
Identifiers: ClinVar variation 652162 (VCV000652162.16), dbSNP rs376641234, ClinGen allele CA7963512.

ClinVar aggregate classification (germline): Uncertain significance. Review status: criteria provided, multiple submitters, no conflicts (2 of 4 stars). 2 submissions from 2 submitters: Uncertain significance (2). Last evaluated 2024-10-21.

Conditions:
Hereditary cancer-predisposing syndrome. Also called: Neoplastic Syndromes, Hereditary; Tumor predisposition; Hereditary Cancer Syndrome; Hereditary neoplastic syndrome. Identifiers: Orphanet 140162, MedGen C0027672, MeSH D009386, MONDO:0015356.
Familial cancer of breast. Also called: hereditary breast carcinoma; BREAST CANCER, FAMILIAL; Hereditary breast cancer. Identifiers: Orphanet 227535, MedGen C0346153, MONDO:0016419, OMIM 114480. Disease mechanism: loss of function.

Allele frequency attached by ClinVar (database versions not stated): TOPMed 0.00002; ESP Exome Variant Server 0.00008.
gnomAD v4.1: 2 of 1,614,126 alleles (0.00012%); highest among the groups gnomAD compares: African/African-American, 0.0013%; no homozygotes.

Submissions (2):

Labcorp Genetics (formerly Invitae), Labcorp
Classification: Uncertain significance for Familial cancer of breast. Last evaluated: 2024-10-21. Review status: criteria provided, single submitter. Criteria: Invitae Variant Classification Sherloc (09022015). Collection method: clinical testing. Allele origin: germline.
Comment: This sequence change replaces valine, which is neutral and non-polar, with leucine, which is neutral and non-polar, at codon 870 of the PALB2 protein (p.Val870Leu). This variant is present in population databases (rs376641234, gnomAD 0.007%). This variant has not been reported in the literature in individuals affected with PALB2-related conditions. ClinVar contains an entry for this variant (Variation ID: 652162). Invitae Evidence Modeling of protein sequence and biophysical properties (such as structural, functional, and spatial information, amino acid conservation, physicochemical variation, residue mobility, and thermodynamic stability) indicates that this missense variant is expected to disrupt PALB2 protein function with a positive predictive value of 80%. In summary, the available evidence is currently insufficient to determine the role of this variant in disease. Therefore, it has been classified as a Variant of Uncertain Significance.

Ambry Genetics
Classification: Uncertain significance for Hereditary cancer-predisposing syndrome. Last evaluated: 2024-07-31. Review status: criteria provided, single submitter. Criteria: Ambry Variant Classification Scheme 2023. Collection method: clinical testing. Allele origin: germline.
Comment: The p.V870L variant (also known as c.2608G>C), located in coding exon 7 of the PALB2 gene, results from a G to C substitution at nucleotide position 2608. The valine at codon 870 is replaced by leucine, an amino acid with highly similar properties. This amino acid position is well conserved in available vertebrate species. In addition, this alteration is predicted to be tolerated by in silico analysis. Based on the available evidence, the clinical significance of this variant remains unclear.